The following is an entry in ClinVar:

ClinVar aggregate classification (germline): Uncertain significance (1 of 4 stars; one submission).

Conditions:
Dilated cardiomyopathy 1W (CMD1W). Identifiers: Orphanet 154, MedGen C1969639, MONDO:0012667, OMIM 611407.

Submission:

Labcorp Genetics (formerly Invitae), Labcorp
Classification: Uncertain significance for Dilated cardiomyopathy 1W. Last evaluated: 2021-10-09. Review status: criteria provided, single submitter. Criteria: Invitae Variant Classification Sherloc (09022015). Collection method: clinical testing. Allele origin: germline.
Comment: In summary, the available evidence is currently insufficient to determine the role of this variant in disease. Therefore, it has been classified as a Variant of Uncertain Significance. Algorithms developed to predict the effect of missense changes on protein structure and function are either unavailable or do not agree on the potential impact of this missense change (SIFT: "Not Available"; PolyPhen-2: "Probably Damaging"; Align-GVGD: "Not Available"). This variant has not been reported in the literature in individuals affected with VCL-related conditions. This variant is not present in population databases (ExAC no frequency). This sequence change replaces alanine with valine at codon 786 of the VCL protein (p.Ala786Val). The alanine residue is highly conserved and there is a small physicochemical difference between alanine and valine.

NM_014000.3(VCL):c.2357C>T (p.Ala786Val)

Gene: VCL (vinculin; plus strand). Cytogenetic location: 10q22.2.
Variant type: single nucleotide variant.
Coding change: c.2357C>T on transcript NM_014000.3 (MANE Select); coding-DNA position 2357, C replaced by T.
Protein change: p.Ala786Val; replaces alanine 786 with valine.
Molecular consequence: missense variant.
Genome position (GRCh38, 1-based): chr10:74,105,276, C>T. VCF-style: chr10-74105276-C-T. GRCh37 (hg19) VCF-style: chr10-75865034-C-T.
Other names: c.2357C>T, p.Ala786Val (NM_003373.4); short protein forms A786V.
Identifiers: ClinVar variation 1507180 (VCV001507180.6), dbSNP rs2131928566, ClinGen allele CA377262644.